The following is an entry in ClinVar:

ClinVar aggregate classification (germline): Uncertain significance (1 of 4 stars; one submission).

Submission:

Labcorp Genetics (formerly Invitae), Labcorp
Classification: Uncertain significance. Last evaluated: 2024-08-21. Review status: criteria provided, single submitter. Criteria: Invitae Variant Classification Sherloc (09022015). Collection method: clinical testing. Allele origin: germline.
Comment: This sequence change replaces cysteine, which is neutral and slightly polar, with tyrosine, which is neutral and polar, at codon 442 of the ATP2B2 protein (p.Cys442Tyr). This variant is not present in population databases (gnomAD no frequency). This variant has not been reported in the literature in individuals affected with ATP2B2-related conditions. Invitae Evidence Modeling of protein sequence and biophysical properties (such as structural, functional, and spatial information, amino acid conservation, physicochemical variation, residue mobility, and thermodynamic stability) indicates that this missense variant is expected to disrupt ATP2B2 protein function with a positive predictive value of 80%. In summary, the available evidence is currently insufficient to determine the role of this variant in disease. Therefore, it has been classified as a Variant of Uncertain Significance.

NM_001001331.4(ATP2B2):c.1460G>A (p.Cys487Tyr)

Gene: ATP2B2 (ATPase plasma membrane Ca2+ transporting 2; minus strand). Cytogenetic location: 3p25.3.
Variant type: single nucleotide variant.
Coding change: c.1460G>A on transcript NM_001001331.4 (MANE Select); coding-DNA position 1460, G replaced by A.
Protein change: p.Cys487Tyr; replaces cysteine 487 with tyrosine.
Molecular consequence: missense variant.
Genome position (GRCh38, 1-based): chr3:10,372,008, C>T on the plus strand (G>A on the coding strand, the complement: ATP2B2 is on the minus strand). VCF-style: chr3-10372008-C-T. GRCh37 (hg19) VCF-style: chr3-10413692-C-T.
Other names: c.1325G>A, p.Cys442Tyr (NM_001330611.3, NM_001353564.1, NM_001363862.1 and 1 more transcripts); short protein forms C442Y, C487Y.
Identifiers: ClinVar variation 3660700 (VCV003660700.2).